The following is an entry in ClinVar:

ClinVar aggregate classification (germline): Benign/Likely benign. Review status: criteria provided, multiple submitters, no conflicts (2 of 4 stars). 4 submissions from 4 submitters: Benign (1); Likely benign (3). Last evaluated 2024-06-21.

Conditions:
Hereditary cancer-predisposing syndrome. Also called: Hereditary neoplastic syndrome; Neoplastic Syndromes, Hereditary; Tumor predisposition; Hereditary Cancer Syndrome. Identifiers: Orphanet 140162, MedGen C0027672, MeSH D009386, MONDO:0015356.
Familial adenomatous polyposis 1 (FAP1). Also called: POLYPOSIS, ADENOMATOUS INTESTINAL; FAMILIAL ADENOMATOUS POLYPOSIS 1, ATTENUATED. Identifiers: MedGen C2713442, MONDO:0021056, OMIM 175100. Disease mechanism: loss of function.

Submissions (4):

Ambry Genetics
Classification: Likely benign for Hereditary cancer-predisposing syndrome. Last evaluated: 2024-06-21. Review status: criteria provided, single submitter. Criteria: Ambry Variant Classification Scheme 2023. Collection method: clinical testing. Allele origin: germline.

Myriad Genetics, Inc.
Classification: Benign for Familial adenomatous polyposis 1. Last evaluated: 2024-03-27. Review status: criteria provided, single submitter. Criteria: Myriad Autosomal Dominant, Autosomal Recessive and X-Linked Classification Criteria (2023). Collection method: clinical testing. Allele origin: unknown.
Comment: This variant is considered benign. This variant is a silent/synonymous amino acid change and it is not expected to impact splicing.

Color Diagnostics, LLC DBA Color Health
Classification: Likely benign for Hereditary cancer-predisposing syndrome. Last evaluated: 2018-04-23. Review status: criteria provided, single submitter. Criteria: ACMG Guidelines, 2015. Collection method: clinical testing. Allele origin: germline.

Labcorp Genetics (formerly Invitae), Labcorp
Classification: Likely benign for Familial adenomatous polyposis 1. Last evaluated: 2015-10-30. Review status: criteria provided, single submitter. Criteria: Invitae Variant Classification Sherloc (09022015). Collection method: clinical testing. Allele origin: germline.

NM_000038.6(APC):c.4761A>C (p.Ser1587=)

Gene: APC (APC regulator of Wnt signaling pathway; plus strand). Cytogenetic location: 5q22.2.
Variant type: single nucleotide variant.
Coding change: c.4761A>C on transcript NM_000038.6 (MANE Select); coding-DNA position 4761, A replaced by C.
Protein change: p.Ser1587=; no amino-acid change (serine 1587 retained).
Molecular consequence: synonymous variant.
Genome position (GRCh38, 1-based): chr5:112,840,355, A>C. VCF-style: chr5-112840355-A-C. GRCh37 (hg19) VCF-style: chr5-112176052-A-C.
Other names: c.4761A>C, p.Ser1587= (NM_001127510.3, NM_001354895.2); c.4707A>C, p.Ser1569= (NM_001127511.3); c.4815A>C, p.Ser1605= (NM_001354896.2); c.4791A>C, p.Ser1597= (NM_001354897.2); c.4686A>C, p.Ser1562= (NM_001354898.2); c.4677A>C, p.Ser1559= (NM_001354899.2); c.4638A>C, p.Ser1546= (NM_001354900.2); c.4584A>C, p.Ser1528= (NM_001354901.2); and 5 more.
Identifiers: ClinVar variation 215563 (VCV000215563.14), dbSNP rs863224280, ClinGen allele CA335974.